The following is an entry in ClinVar:

ClinVar aggregate classification (germline): Likely pathogenic (1 of 4 stars; one submission).

Submission:

Institute for Clinical Genetics, University Hospital TU Dresden, University Hospital TU Dresden
Classification: Likely pathogenic. Last evaluated: 2022-07-15. Review status: criteria provided, single submitter. Criteria: ACMG Guidelines, 2015. Collection method: clinical testing. Allele origin: germline.
Comment: PVS1, PM2_SUP

NM_002890.3(RASA1):c.870del (p.Pro289_Tyr290insTer)

Genes: CCNH (cyclin H; minus strand), RASA1 (RAS p21 protein activator 1; plus strand). Cytogenetic location: 5q14.3.
Variant type: Deletion.
Coding change: c.870del on transcript NM_002890.3 (MANE Select); coding-DNA position 870, one base deleted (C; older notation c.870delC).
Protein change: p.Pro289_Tyr290insTer.
Molecular consequence: nonsense. On other transcripts: intron variant (1).
Genome position (GRCh38, 1-based): chr5:87,333,308, C deleted. VCF-style (leftmost placement, unchanged base first): chr5-87333307-AC-A. GRCh37 (hg19) VCF-style: chr5-86629124-AC-A.
Other names: c.934-20513del (NM_001364075.2); c.339del, p.Pro112_Tyr113insTer (NM_022650.3).
Identifiers: ClinVar variation 2575937 (VCV002575937.1), dbSNP rs2531194903, ClinGen allele CA2580613599.
Genomic context (GRCh38, chr5:87,333,307, plus strand): 5'-TTTTTTTTTATGGTTTCTAGCCAGTAGAAGATAGAAGGCGTGTACGAGCTATTCTACCTT[AC>A]ACAAAAGTACCAGACACTGATGAAATAAGGTATTTTATAATCTATTCTCATGTATAGGCA-3'